The following is an entry in ClinVar:

GRCh38/hg38 16p13.11(chr16:14875002-16199333)x3

Genes: ABCC1 (ATP binding cassette subfamily C member 1 (ABCC1 blood group); plus strand), ABCC6 (ATP binding cassette subfamily C member 6; minus strand), BMERB1 (bMERB domain containing 1; plus strand), CEP20 (centrosomal protein 20; minus strand), MARF1 (meiosis regulator and mRNA stability factor 1; minus strand) and 40 more. Cytogenetic location: 16p13.11.
Variant type: copy number gain.
Change: copy number 3 (three copies instead of two) of chr16:14,875,002-16,199,333 (1.32 Mb, GRCh38 coordinates, 1-based), cytogenetic band 16p13.11.
Identifiers: ClinVar variation 4852067 (VCV004852067.1).

ClinVar aggregate classification (germline): Likely pathogenic (1 of 4 stars; one submission).

Submission:

Clinical Genomics Laboratory, Laboratory for Precision Diagnostics, University of Washington
Classification: Likely pathogenic. Last evaluated: 2022-05-02. Review status: criteria provided, single submitter. Criteria: ACMG/ClinGen CNV Guidelines, 2019. Collection method: clinical testing. Allele origin: unknown. Affected: yes. Observed: 1 variant allele.
Comment: This duplication is approximately 1.3 Mb in size and encompasses a portion or all of 14 protein-coding genes. This recurrent 16p13.11 microduplication has been associated with variety of features. The most frequent include speech and language delay, learning difficulties or intellectual disability, autism spectrum disorders, and congenital heart defects. Upwards of 90% of people with the 16p13.11 microduplication have inherited it from a parent who has milder or even no manifestations. This, along with the presence of this duplication in a database of copy number variants found in healthy control groups, is evidence of incomplete penetrance. Penetrance has been estimated at 7-8%. Some authors have suggested that this duplication may be a risk factor for neurodevelopmental disorders that requires additional genetic or environmental factors to be expressed.

Literature cited by the submitters: PubMed 30287593; PubMed 30767844.